The following is an entry in ClinVar:

ClinVar aggregate classification (germline): Pathogenic (1 of 4 stars; one submission).

Conditions:
Inborn genetic diseases. Identifiers: MedGen C0950123, MeSH D030342.

Submission:

Ambry Genetics
Classification: Pathogenic for Inborn genetic diseases. Last evaluated: 2025-09-24. Review status: criteria provided, single submitter. Criteria: Ambry Variant Classification Scheme 2023. Collection method: clinical testing. Allele origin: germline.
Comment: The c.1101delC (p.F368Sfs*18) alteration, located in exon 11 (coding exon 10) of the SLC34A3 gene, consists of a deletion of one nucleotide at position 1101, causing a translational frameshift with a predicted alternate stop codon after 18 amino acids. This alteration is expected to result in loss of function by premature protein truncation or nonsense-mediated mRNA decay. This variant was not reported in population-based cohorts in the Genome Aggregation Database (gnomAD). Based on the available evidence, this alteration is classified as pathogenic.

NM_001177316.2(SLC34A3):c.1101del (p.Phe368fs)

Gene: SLC34A3 (solute carrier family 34 member 3; plus strand). Cytogenetic location: 9q34.3.
Variant type: Deletion.
Coding change: c.1101del on transcript NM_001177316.2 (MANE Select); coding-DNA position 1101, one base deleted (C; older notation c.1101delC).
Protein change: p.Phe368fs; shifts the reading frame from phenylalanine 368.
Molecular consequence: frameshift variant.
Genome position (GRCh38, 1-based): chr9:137,234,423, C deleted; the last of 4 consecutive C bases (chr9:137,234,420-137,234,423); deleting any one gives the same sequence. VCF-style (leftmost placement, unchanged base first): chr9-137234419-TC-T. GRCh37 (hg19) VCF-style: chr9-140128871-TC-T.
Other names: c.1101del, p.Phe368fs (NM_001177317.2, NM_080877.3); short protein forms F368fs.
Identifiers: ClinVar variation 4631284 (VCV004631284.1).